The following is an entry in ClinVar:

ClinVar aggregate classification (germline): Uncertain significance (1 of 4 stars; one submission).

Submission:

GeneDx
Classification: Uncertain significance. Last evaluated: 2022-08-17. Review status: criteria provided, single submitter. Criteria: GeneDx Variant Classification Process June 2021. Collection method: clinical testing. Allele origin: germline. Affected: yes.
Comment: Not observed at significant frequency in large population cohorts (gnomAD); In silico analysis supports that this missense variant has a deleterious effect on protein structure/function; Has not been previously published as pathogenic or benign to our knowledge

NM_001289104.2(PRKCSH):c.1241A>C (p.Glu414Ala)

Gene: PRKCSH (PRKCSH beta subunit of glucosidase II; plus strand). Cytogenetic location: 19p13.2.
Variant type: single nucleotide variant.
Coding change: c.1241A>C on transcript NM_001289104.2 (MANE Select); coding-DNA position 1241, A replaced by C.
Protein change: p.Glu414Ala; replaces glutamic acid 414 with alanine.
Molecular consequence: missense variant.
Genome position (GRCh38, 1-based): chr19:11,448,584, A>C. VCF-style: chr19-11448584-A-C. GRCh37 (hg19) VCF-style: chr19-11559399-A-C.
Other names: c.1211A>C, p.Glu404Ala (NM_001001329.3, NM_001289102.2, NM_001379609.1); c.1241A>C, p.Glu414Ala (NM_001289103.2); c.1220A>C, p.Glu407Ala (NM_001379608.1, NM_002743.3); short protein forms E404A, E407A, E414A.
Identifiers: ClinVar variation 2430964 (VCV002430964.1), dbSNP rs2512541591, ClinGen allele CA404136678.